The following is an entry in ClinVar:

ClinVar aggregate classification (germline): Likely benign. Review status: criteria provided, multiple submitters, no conflicts (2 of 4 stars). 2 submissions from 2 submitters: Likely benign (2). Last evaluated 2026-09-03.

Conditions:
HGSNAT-related disorder. Also called: HGSNAT-related condition.
Mucopolysaccharidosis, MPS-III-C (MPS3C). Also called: MPS III C; Mucopolysaccharidosis type IIIC (Sanfilippo C); SANFILIPPO SYNDROME C; MUCOPOLYSACCHARIDOSIS, TYPE IIIC; mucopolysaccharidosis type 3C; MPS IIIC (Sanfilippo Syndrome Type C). Identifiers: Orphanet 581, Orphanet 79271, MedGen C0086649, MONDO:0009657, OMIM 252930.
Retinitis pigmentosa 73 (RP73). Identifiers: Orphanet 791, MedGen C4225287, MONDO:0014687, OMIM 616544.

Allele frequency attached by ClinVar (database versions not stated): gnomAD 0.00001; TOPMed 0.00001; gnomAD exomes 0.00001; ExAC 0.00001.
gnomAD v4.1: 22 of 1,613,568 alleles (0.0014%); highest among the groups gnomAD compares: Non-Finnish European, 0.0016%; no homozygotes.

Submissions (2):

PreventionGenetics, part of Exact Sciences
Classification: Likely benign for HGSNAT-related condition. Last evaluated: 2026-09-03. Review status: criteria provided, single submitter. Criteria: ACMG Guidelines, 2015. Collection method: clinical testing. Allele origin: germline.
Comment: This variant is classified as likely benign based on ACMG/AMP sequence variant interpretation guidelines (Richards et al. 2015 PMID: 25741868, with internal and published modifications).

Labcorp Genetics (formerly Invitae), Labcorp
Classification: Likely benign for Retinitis pigmentosa 73; Mucopolysaccharidosis, MPS-III-C. Last evaluated: 2025-01-05. Review status: criteria provided, single submitter. Criteria: Invitae Variant Classification Sherloc (09022015). Collection method: clinical testing. Allele origin: germline.

NM_152419.3(HGSNAT):c.1440C>T (p.Ile480=)

Gene: HGSNAT (heparan-alpha-glucosaminide N-acetyltransferase; plus strand). Cytogenetic location: 8p11.21.
Variant type: single nucleotide variant.
Coding change: c.1440C>T on transcript NM_152419.3 (MANE Select); coding-DNA position 1440, C replaced by T.
Protein change: p.Ile480=; no amino-acid change (isoleucine 480 retained).
Molecular consequence: synonymous variant.
Genome position (GRCh38, 1-based): chr8:43,193,819, C>T. VCF-style: chr8-43193819-C-T. GRCh37 (hg19) VCF-style: chr8-43048962-C-T.
Other names: c.1440C>T, p.Ile480= (NM_001363227.2); c.1248C>T, p.Ile416= (NM_001363228.2); c.576C>T, p.Ile192= (NM_001363229.2); c.1440C>T (NM_152419.2).
Identifiers: ClinVar variation 1088138 (VCV001088138.8), dbSNP rs779933668, ClinGen allele CA4736878.